The following is an entry in ClinVar:

NM_002890.3(RASA1):c.1730A>G (p.Asn577Ser)

Genes: CCNH (cyclin H; minus strand), RASA1 (RAS p21 protein activator 1; plus strand). Cytogenetic location: 5q14.3.
Variant type: single nucleotide variant.
Coding change: c.1730A>G on transcript NM_002890.3 (MANE Select); coding-DNA position 1730, A replaced by G.
Protein change: p.Asn577Ser; replaces asparagine 577 with serine.
Molecular consequence: missense variant. On other transcripts: intron variant (1).
Genome position (GRCh38, 1-based): chr5:87,372,149, A>G. VCF-style: chr5-87372149-A-G. GRCh37 (hg19) VCF-style: chr5-86667966-A-G.
Other names: c.1199A>G, p.Asn400Ser (NM_022650.3); c.933+22895T>C (NM_001364075.2); short protein forms N400S, N577S.
Identifiers: ClinVar variation 3715382 (VCV003715382.2).
Genomic context (GRCh38, chr5:87,372,149, plus strand): 5'-TTTCTTTGAAGTGCTGTTTTTCTTTGCAGGATTGGATGAAAGGTCTGCAGGCATTTTGCA[A>G]TTTACGGAAAAGTAGTCCAGGGACATCCAATAAACGCCTTCGTCAGGTGAAGCTTAATTT-3'
Protein context (NP_002881.1, residues 567-587): DWMKGLQAFC[Asn577Ser]LRKSSPGTSN

ClinVar aggregate classification (germline): Uncertain significance (1 of 4 stars; one submission).

Conditions:
Capillary malformation-arteriovenous malformation syndrome. Also called: Capillary malformation-arteriovenous malformation. Identifiers: Orphanet 137667, MedGen C1842180, MONDO:0012016.

Submission:

Labcorp Genetics (formerly Invitae), Labcorp
Classification: Uncertain significance for Capillary malformation-arteriovenous malformation syndrome. Last evaluated: 2024-08-28. Review status: criteria provided, single submitter. Criteria: Invitae Variant Classification Sherloc (09022015). Collection method: clinical testing. Allele origin: germline.
Comment: This sequence change replaces asparagine, which is neutral and polar, with serine, which is neutral and polar, at codon 577 of the RASA1 protein (p.Asn577Ser). This variant is not present in population databases (gnomAD no frequency). This variant has not been reported in the literature in individuals affected with RASA1-related conditions. An algorithm developed to predict the effect of missense changes on protein structure and function outputs the following: PolyPhen-2: "Benign". The serine amino acid residue is found in multiple mammalian species, which suggests that this missense change does not adversely affect protein function. In summary, the available evidence is currently insufficient to determine the role of this variant in disease. Therefore, it has been classified as a Variant of Uncertain Significance.